The following is an entry in ClinVar:

ClinVar aggregate classification (germline): Conflicting classifications of pathogenicity. Review status: criteria provided, conflicting classifications (1 of 4 stars). 5 submissions from 5 submitters: Uncertain significance (1); Likely benign (4). Last evaluated 2026-01-26.

Conditions:
PLEC-related disorder. Also called: PLEC-related disorders; PLEC-related condition.
Epidermolysis bullosa simplex with nail dystrophy (EBS5D). Identifiers: MedGen C4225309, MONDO:0014661, OMIM 616487.
Autosomal recessive limb-girdle muscular dystrophy type 2Q (LGMDR17). Also called: MUSCULAR DYSTROPHY, LIMB-GIRDLE, AUTOSOMAL RECESSIVE 17. Identifiers: Orphanet 254361, MedGen C3150989, MONDO:0013390, OMIM 613723.
Epidermolysis bullosa simplex 5C, with pyloric atresia (EBS5C). Also called: PLEC-Related Epidermolysis Bullosa with Pyloric Atresia; Epidermolysis bullosa simplex with pyloric atresia; PLEC1-Related Epidermolysis Bullosa with Pyloric Atresia. Identifiers: Orphanet 158684, MedGen C2677349, MONDO:0012807, OMIM 612138.
Epidermolysis bullosa simplex 5B, with muscular dystrophy (EBS5B). Also called: EPIDERMOLYSIS BULLOSA SIMPLEX AND LIMB-GIRDLE MUSCULAR DYSTROPHY; Epidermolysis bullosa simplex with muscular dystrophy. Identifiers: Orphanet 257, MedGen C2931072, MONDO:0009181, OMIM 226670.
Epidermolysis bullosa simplex, Ogna type (EBS5A). Also called: Pidermolysis bullosa simplex 5A, Ogna type; EPIDERMOLYSIS BULLOSA SIMPLEX 5A, OGNA TYPE. Identifiers: Orphanet 79401, MedGen C0432317, MONDO:0007555, OMIM 131950.

Allele frequency attached by ClinVar (database versions not stated): gnomAD exomes 0.00015 and 0.00018; ExAC 0.00017; 1000 Genomes Project 30x 0.00031; 1000 Genomes Project 0.00040; gnomAD 0.00046 and 0.00049; TOPMed 0.00049; ESP Exome Variant Server 0.00072.
gnomAD v4.1: 337 of 1,613,974 alleles (0.021%); highest among the groups gnomAD compares: African/African-American, 0.15%; no homozygotes.

Submissions (5):

PreventionGenetics, part of Exact Sciences
Classification: Likely benign for PLEC-related condition. Last evaluated: 2026-01-26. Review status: criteria provided, single submitter. Criteria: ACMG Guidelines, 2015. Collection method: clinical testing. Allele origin: germline.
Comment: This variant is classified as likely benign based on ACMG/AMP sequence variant interpretation guidelines (Richards et al. 2015 PMID: 25741868, with internal and published modifications).

Labcorp Genetics (formerly Invitae), Labcorp
Classification: Likely benign for Autosomal recessive limb-girdle muscular dystrophy type 2Q; Epidermolysis bullosa simplex, Ogna type; Epidermolysis bullosa simplex with nail dystrophy; Epidermolysis bullosa simplex 5C, with pyloric atresia; Epidermolysis bullosa simplex 5B, with muscular dystrophy. Last evaluated: 2025-10-03. Review status: criteria provided, single submitter. Criteria: Invitae Variant Classification Sherloc (09022015). Collection method: clinical testing. Allele origin: germline.

Blueprint Genetics
Classification: Likely benign. Last evaluated: 2024-10-24. Review status: criteria provided, single submitter. Criteria: ACMG Guidelines, 2015. Collection method: clinical testing. Allele origin: germline.

GeneDx
Classification: Likely benign. Last evaluated: 2016-06-03. Review status: criteria provided, single submitter. Criteria: GeneDx Variant Classification (06012015). Collection method: clinical testing. Allele origin: germline. Affected: yes.
Comment: This variant is considered likely benign or benign based on one or more of the following criteria: it is a conservative change, it occurs at a poorly conserved position in the protein, it is predicted to be benign by multiple in silico algorithms, and/or has population frequency not consistent with disease.

Eurofins Ntd Llc (ga)
Classification: Uncertain significance. Last evaluated: 2015-09-07. Review status: criteria provided, single submitter. Criteria: EGL Classification Definitions 2015. Collection method: clinical testing. Allele origin: germline. Observed: 5 variant alleles, 5 heterozygotes.

NM_201384.3(PLEC):c.10509G>A (p.Ala3503=)

Gene: PLEC (plectin; minus strand). Cytogenetic location: 8q24.3.
Variant type: single nucleotide variant.
Coding change: c.10509G>A on transcript NM_201384.3 (MANE Select); coding-DNA position 10509, G replaced by A.
Protein change: p.Ala3503=; no amino-acid change (alanine 3503 retained).
Molecular consequence: synonymous variant.
Genome position (GRCh38, 1-based): chr8:143,919,312, C>T on the plus strand (G>A on the coding strand, the complement: PLEC is on the minus strand). VCF-style: chr8-143919312-C-T. GRCh37 (hg19) VCF-style: chr8-144993480-C-T.
Other names: c.10590G>A, p.Ala3530= (NM_000445.5); c.10467G>A, p.Ala3489= (NM_201378.4); c.10443G>A, p.Ala3481= (NM_201379.3); c.10920G>A, p.Ala3640= (NM_201380.4); c.10413G>A, p.Ala3471= (NM_201381.3); c.10509G>A, p.Ala3503= (NM_201382.4); c.10521G>A, p.Ala3507= (NM_201383.3).
Identifiers: ClinVar variation 282486 (VCV000282486.17), dbSNP rs189859084, ClinGen allele CA4924626.